The following is an entry in ClinVar:

NM_002582.4(PARN):c.1544_1545delinsTT (p.Arg515Ile)

Gene: PARN (poly(A)-specific ribonuclease; minus strand). Cytogenetic location: 16p13.12.
Variant type: Indel.
Coding change: c.1544_1545delinsTT on transcript NM_002582.4 (MANE Select); coding-DNA positions 1544 to 1545, GA replaced by TT.
Protein change: p.Arg515Ile; replaces arginine 515 with isoleucine.
Molecular consequence: missense variant.
Genome position (GRCh38, 1-based): chr16:14,482,763-14,482,764, TC replaced by AA on the plus strand (GA replaced by TT on the coding strand, the reverse complement: PARN is on the minus strand). VCF-style: chr16-14482763-TC-AA. GRCh37 (hg19) VCF-style: chr16-14576620-TC-AA.
Other names: c.1361_1362delinsTT, p.Arg454Ile (NM_001134477.3); c.1406_1407delinsTT, p.Arg469Ile (NM_001242992.2); short protein forms R469I, R515I, R454I.
Identifiers: ClinVar variation 1510528 (VCV001510528.6), dbSNP rs2151597307, ClinGen allele CA2573151874.

ClinVar aggregate classification (germline): Uncertain significance (1 of 4 stars; one submission).

Conditions:
Pulmonary fibrosis and/or bone marrow failure, Telomere-related, 4. Also called: PULMONARY FIBROSIS AND/OR BONE MARROW FAILURE SYNDROME, TELOMERE-RELATED, 4. Identifiers: Orphanet 2032, MedGen C4225347, MONDO:0014612, OMIM 616371.
Dyskeratosis congenita, autosomal recessive 6 (DKCB6). Identifiers: MedGen C4225356, MONDO:0014600, OMIM 616353.

Submission:

Labcorp Genetics (formerly Invitae), Labcorp
Classification: Uncertain significance for Dyskeratosis congenita, autosomal recessive 6; Pulmonary fibrosis and/or bone marrow failure, Telomere-related, 4. Last evaluated: 2021-02-15. Review status: criteria provided, single submitter. Criteria: Invitae Variant Classification Sherloc (09022015). Collection method: clinical testing. Allele origin: germline.
Comment: In summary, the available evidence is currently insufficient to determine the role of this variant in disease. Therefore, it has been classified as a Variant of Uncertain Significance. Algorithms developed to predict the effect of missense changes on protein structure and function are either unavailable or do not agree on the potential impact of this missense change (SIFT: "Not Available"; PolyPhen-2: "Benign"; Align-GVGD: "Not Available"). This variant has not been reported in the literature in individuals with PARN-related conditions. The frequency data for this variant in the population databases is not available, as this variant may be reported as separate entries in the ExAC database. This sequence change replaces arginine with isoleucine at codon 515 of the PARN protein (p.Arg515Ile). The arginine residue is weakly conserved and there is a moderate physicochemical difference between arginine and isoleucine.